The following is an entry in ClinVar:

ClinVar aggregate classification (germline): Pathogenic (1 of 4 stars; one submission).

Allele frequency attached by ClinVar (database versions not stated): gnomAD exomes below 0.00001.
gnomAD v4.1: 3 of 1,613,292 alleles (0.00019%); highest among the groups gnomAD compares: Non-Finnish European, 0.00025%; no homozygotes.

Submission:

Labcorp Genetics (formerly Invitae), Labcorp
Classification: Pathogenic. Last evaluated: 2024-01-04. Review status: criteria provided, single submitter. Criteria: Invitae Variant Classification Sherloc (09022015). Collection method: clinical testing. Allele origin: germline.
Comment: This sequence change creates a premature translational stop signal (p.Gly1030*) in the COL4A3 gene. It is expected to result in an absent or disrupted protein product. Loss-of-function variants in COL4A3 are known to be pathogenic (PMID: 8956999, 24854265, 26809805, 27281700). This variant is not present in population databases (gnomAD no frequency). This variant has not been reported in the literature in individuals affected with COL4A3-related conditions. ClinVar contains an entry for this variant (Variation ID: 2126903). For these reasons, this variant has been classified as Pathogenic.

Literature cited by the submitters: PubMed 8956999; PubMed 24854265; PubMed 26809805; PubMed 27281700.

NM_000091.5(COL4A3):c.3088G>T (p.Gly1030Ter)

Genes: COL4A3 (collagen type IV alpha 3 chain; plus strand), MFF-DT (MFF divergent transcript; minus strand). Cytogenetic location: 2q36.3.
Variant type: single nucleotide variant.
Coding change: c.3088G>T on transcript NM_000091.5 (MANE Select); coding-DNA position 3088, G replaced by T.
Protein change: p.Gly1030Ter; replaces glycine 1030 with a stop codon.
Molecular consequence: nonsense.
Genome position (GRCh38, 1-based): chr2:227,290,764, G>T. VCF-style: chr2-227290764-G-T. GRCh37 (hg19) VCF-style: chr2-228155480-G-T.
Other names: short protein forms G1030*.
Identifiers: ClinVar variation 2126903 (VCV002126903.4), dbSNP rs2469828350, ClinGen allele CA350855482.